The following is an entry in ClinVar:

ClinVar aggregate classification (germline): Conflicting classifications of pathogenicity. Review status: criteria provided, conflicting classifications (1 of 4 stars). 4 submissions from 4 submitters: Likely pathogenic (1); Uncertain significance (2). 1 of the submissions does not count toward it. Last evaluated 2026-10-02.

Conditions:
Growth delay due to insulin-like growth factor type 1 deficiency (IGF1D). Also called: GROWTH RETARDATION WITH SENSORINEURAL DEAFNESS AND MENTAL RETARDATION; IGF1 DEFICIENCY. Identifiers: Orphanet 73272, MedGen C1837475, MONDO:0012110, OMIM 608747.

Allele frequency attached by ClinVar (database versions not stated): gnomAD exomes below 0.00001.
gnomAD v4.1: 1 of 1,613,622 alleles (0.000062%); highest among the groups gnomAD compares: Non-Finnish European, 0.000085%; no homozygotes.

Submissions (4):

GeneDx
Classification: Likely pathogenic. Last evaluated: 2026-10-02. Review status: criteria provided, single submitter. Criteria: GeneDx Variant Classification Process June 2021. Collection method: clinical testing. Allele origin: germline.
Comment: Published functional studies demonstrate a damaging effect: reduced binding affinity of IGF1 to the IGF1-receptor with reduced IGF1-receptor autophosphorylation/activation (PMID: 15769976, 15576456); In silico analysis supports that this missense variant has a deleterious effect on protein structure/function; Not observed at significant frequency in large population cohorts (gnomAD); Also known as V44M; This variant is associated with the following publications: (PMID: 25680077, 26034074, 29311900, 31416218, 21845174, 28149264, 31456057, 31736316, 22587301, 23392101, 22654835, 17785692, 34680948, 15576456, 22218435, 34440832, 36546343, 37811857, 15769976)

Blueprint Genetics
Classification: Uncertain significance. Last evaluated: 2023-05-30. Review status: criteria provided, single submitter. Criteria: ACMG Guidelines, 2015. Collection method: clinical testing. Allele origin: germline.

Labcorp Genetics (formerly Invitae), Labcorp
Classification: Uncertain significance. Last evaluated: 2022-10-07. Review status: criteria provided, single submitter. Criteria: Invitae Variant Classification Sherloc (09022015). Collection method: clinical testing. Allele origin: germline.
Comment: This sequence change replaces valine, which is neutral and non-polar, with methionine, which is neutral and non-polar, at codon 92 of the IGF1 protein (p.Val92Met). This variant is not present in population databases (gnomAD no frequency). This missense change has been observed in individual(s) with insulin-like growth factor I (IGF1) deficiency (PMID: 15769976). ClinVar contains an entry for this variant (Variation ID: 14789). Algorithms developed to predict the effect of missense changes on protein structure and function are either unavailable or do not agree on the potential impact of this missense change (SIFT: "Deleterious"; PolyPhen-2: "Probably Damaging"; Align-GVGD: "Class C15"). Experimental studies have shown that this missense change affects IGF1 function (PMID: 15769976). In summary, the available evidence is currently insufficient to determine the role of this variant in disease. Therefore, it has been classified as a Variant of Uncertain Significance.

OMIM
Classification: Pathogenic for INSULIN-LIKE GROWTH FACTOR I DEFICIENCY. Last evaluated: 2005-05-01. Review status: no assertion criteria provided. Collection method: literature only. Allele origin: germline. Not counted in ClinVar's aggregate classification.

Literature cited by the submitters: PubMed 15769976 (cited by Labcorp Genetics (formerly Invitae), Labcorp and OMIM).

NM_000618.5(IGF1):c.274G>A (p.Val92Met)

Genes: IGF1 (insulin like growth factor 1; minus strand), LINC02456 (long independently transcribed non-coding RNA 2456; plus strand). Cytogenetic location: 12q23.2.
Variant type: single nucleotide variant.
Coding change: c.274G>A on transcript NM_000618.5 (MANE Select); coding-DNA position 274, G replaced by A.
Protein change: p.Val92Met; replaces valine 92 with methionine.
Molecular consequence: missense variant.
Genome position (GRCh38, 1-based): chr12:102,419,637, C>T on the plus strand (G>A on the coding strand, the complement: IGF1 is on the minus strand). VCF-style: chr12-102419637-C-T. GRCh37 (hg19) VCF-style: chr12-102813415-C-T.
Other names: V44M; c.274G>A, p.Val92Met (NM_001111283.3, NM_001111285.3); c.226G>A, p.Val76Met (NM_001111284.2); short protein forms V76M, V92M.
Identifiers: ClinVar variation 14789 (VCV000014789.8), dbSNP rs121912430, ClinGen allele CA124303.
Genomic context (GRCh38, chr12:102,419,637, plus strand): 5'-GGGGTGCGCAATACATCTCCAGCCTCCTTAGATCACAGCTCCGGAAGCAGCACTCATCCA[C>T]GATGCCTGTCTGAGGCGCCCTCCGACTGCTGGAGCCATACCCTGTGGGCTTGTCTGCACA-3'
Protein context (NP_000609.1, residues 82-102): SSRRAPQTGI[Val92Met]DECCFRSCDL